The following is an entry in ClinVar:

NC_000013.10:g.(?_23894756)_(23985378_?)dup

Genes: SACS (sacsin molecular chaperone; minus strand), SGCG (sarcoglycan gamma; plus strand). Cytogenetic location: 13q12.12.
Variant type: Duplication.
Identifiers: ClinVar variation 1510208 (VCV001510208.6).

ClinVar aggregate classification (germline): Uncertain significance (1 of 4 stars; one submission).

Conditions:
Autosomal recessive limb-girdle muscular dystrophy type 2C (LGMDR5). Also called: MUSCULAR DYSTROPHY, DUCHENNE-LIKE; MUSCULAR DYSTROPHY, LIMB-GIRDLE, AUTOSOMAL RECESSIVE 5. Identifiers: Orphanet 353, MedGen C0410173, MONDO:0009677, OMIM 253700. Disease mechanism: Affects gamma-sarcoglycan and also disrupts the integrity of the entire sarcoglycan complex..

Submission:

Labcorp Genetics (formerly Invitae), Labcorp
Classification: Uncertain significance for Autosomal recessive limb-girdle muscular dystrophy type 2C. Last evaluated: 2022-03-08. Review status: criteria provided, single submitter. Criteria: Invitae Variant Classification Sherloc (09022015). Collection method: clinical testing. Allele origin: germline.
Comment: This variant results in a copy number gain of the genomic region encompassing exon(s) 7-8 of the SGCG gene. This region includes the termination codon of the gene. This copy number gain extends beyond the assayed region for this gene and therefore may encompass additional genes. As the precise location of this event is unknown, it may be in tandem or it may be located elsewhere in the genome. This variant has not been reported in the literature in individuals affected with SGCG-related conditions. Experimental studies and prediction algorithms are not available or were not evaluated, and the functional significance of this variant is currently unknown. In summary, the available evidence is currently insufficient to determine the role of this variant in disease. Therefore, it has been classified as a Variant of Uncertain Significance.